The following is an entry in ClinVar:

NM_198253.3(TERT):c.2360G>A (p.Arg787Lys)

Gene: TERT (telomerase reverse transcriptase; minus strand). Cytogenetic location: 5p15.33.
Variant type: single nucleotide variant.
Coding change: c.2360G>A on transcript NM_198253.3 (MANE Select); coding-DNA position 2360, G replaced by A.
Protein change: p.Arg787Lys; replaces arginine 787 with lysine.
Molecular consequence: missense variant.
Genome position (GRCh38, 1-based): chr5:1,272,207, C>T on the plus strand (G>A on the coding strand, the complement: TERT is on the minus strand). VCF-style: chr5-1272207-C-T. GRCh37 (hg19) VCF-style: chr5-1272322-C-T.
Other names: c.2360G>A, p.Arg787Lys (NM_001193376.3); short protein forms R787K.
Identifiers: ClinVar variation 1393428 (VCV001393428.8), dbSNP rs1202226678, ClinGen allele CA359076264.

ClinVar aggregate classification (germline): Uncertain significance (1 of 4 stars; one submission).

Conditions:
Dyskeratosis congenita, autosomal dominant 2. Identifiers: MedGen C3151443, MONDO:0013521, OMIM 613989.
Idiopathic Pulmonary Fibrosis. Also called: Idiopathic fibrosing alveolitis, chronic form; idiopathic fibrosing alveolitis. Identifiers: Orphanet 2032, MedGen C1800706, MeSH D054990, MONDO:0800504.

Allele frequency attached by ClinVar (database versions not stated): gnomAD exomes below 0.00001; gnomAD 0.00001.
gnomAD v4.1: 2 of 1,612,474 alleles (0.00012%); highest among the groups gnomAD compares: South Asian, 0.0011%; no homozygotes.

Submission:

Labcorp Genetics (formerly Invitae), Labcorp
Classification: Uncertain significance for Dyskeratosis congenita, autosomal dominant 2; Idiopathic Pulmonary Fibrosis. Last evaluated: 2021-02-16. Review status: criteria provided, single submitter. Criteria: Invitae Variant Classification Sherloc (09022015). Collection method: clinical testing. Allele origin: germline.
Comment: In summary, the available evidence is currently insufficient to determine the role of this variant in disease. Therefore, it has been classified as a Variant of Uncertain Significance. Algorithms developed to predict the effect of missense changes on protein structure and function output the following: SIFT: "Tolerated"; PolyPhen-2: "Benign"; Align-GVGD: "Class C0". The lysine amino acid residue is found in multiple mammalian species, suggesting that this missense change does not adversely affect protein function. These predictions have not been confirmed by published functional studies and their clinical significance is uncertain. This sequence change replaces arginine with lysine at codon 787 of the TERT protein (p.Arg787Lys). The arginine residue is moderately conserved and there is a small physicochemical difference between arginine and lysine. This variant is not present in population databases (ExAC no frequency). This variant has not been reported in the literature in individuals with TERT-related conditions.